The following is an entry in ClinVar:

ClinVar aggregate classification (germline): Uncertain significance. Review status: criteria provided, multiple submitters, no conflicts (2 of 4 stars). 2 submissions from 2 submitters: Uncertain significance (2). Last evaluated 2025-04-11.

Conditions:
Myofibrillar myopathy 5. Also called: Filaminopathy (type); FILAMINOPATHY, AUTOSOMAL DOMINANT. Identifiers: Orphanet 171445, MedGen C1836050, MONDO:0012289, OMIM 609524.
Distal myopathy with posterior leg and anterior hand involvement. Also called: WILLIAMS DISTAL MYOPATHY. Identifiers: Orphanet 63273, MedGen C3279722, MONDO:0013550, OMIM 614065.
Hypertrophic cardiomyopathy 26. Also called: Cardiomyopathy, familial hypertrophic, 26. Identifiers: Orphanet 75249, MedGen C4310749, MONDO:0014883, OMIM 617047.
Primary dilated cardiomyopathy (DCM). Also called: Dilated Cardiomyopathy. Identifiers: Orphanet 217604, MedGen C0007193, MeSH D002311, MONDO:0005021, HP:0001644. Inheritance: Various modes of inheritance.

Submissions (2):

Labcorp Genetics (formerly Invitae), Labcorp
Classification: Uncertain significance for Distal myopathy with posterior leg and anterior hand involvement; Myofibrillar myopathy 5; Hypertrophic cardiomyopathy 26. Last evaluated: 2025-04-11. Review status: criteria provided, single submitter. Criteria: Invitae Variant Classification Sherloc (09022015). Collection method: clinical testing. Allele origin: germline.
Comment: This sequence change replaces glycine, which is neutral and non-polar, with serine, which is neutral and polar, at codon 973 of the FLNC protein (p.Gly973Ser). This variant is not present in population databases (gnomAD no frequency). This missense change has been observed in individual(s) with myofibrillar myopathy (PMID: 37188302). ClinVar contains an entry for this variant (Variation ID: 1481175). Invitae Evidence Modeling of protein sequence and biophysical properties (such as structural, functional, and spatial information, amino acid conservation, physicochemical variation, residue mobility, and thermodynamic stability) has been performed for this missense variant. However, the output from this modeling did not meet the statistical confidence thresholds required to predict the impact of this variant on FLNC protein function. In summary, the available evidence is currently insufficient to determine the role of this variant in disease. Therefore, it has been classified as a Variant of Uncertain Significance.

New York Genome Center
Classification: Uncertain significance for Dilated Cardiomyopathy. Last evaluated: 2021-05-21. Review status: criteria provided, single submitter. Criteria: NYGC Assertion Criteria 2020. Collection method: clinical testing. Allele origin: germline. Affected: yes. Observed: 1 heterozygote. Study: CSER-NYCKidSeq.
Comment: The c.2917G>A (p.Gly973Ser) variant identified in the FLNC gene substitutes a very well conserved Glycine for Serine at amino acid 973/2726 (econ19/48). This variant is absent from gnomAD(v3.1.1) suggesting it is not a common benign variant in the populations represented in that database. In silico algorithms predict this variant to be Damaging (SIFT; score:0.042) and Pathogenic (REVEL; score:0.8159) to the function of the canonical transcript. This variant is absent fromClinVar and to our current knowledge has not been reported in affected individuals in the literature. The p.Gly973 residue is within the 8th Filamin repeat of theprotein (UniProtKB:Q14315). The c.2917G>A (p.Gly973Ser) variant identified in the FLNC gene is reported as a Variant of Uncertain Significance.

Literature cited by the submitters: PubMed 37188302 (cited by Labcorp Genetics (formerly Invitae), Labcorp).

NM_001458.5(FLNC):c.2917G>A (p.Gly973Ser)

Gene: FLNC (filamin C; plus strand). Cytogenetic location: 7q32.1.
Variant type: single nucleotide variant.
Coding change: c.2917G>A on transcript NM_001458.5 (MANE Select); coding-DNA position 2917, G replaced by A.
Protein change: p.Gly973Ser; replaces glycine 973 with serine.
Molecular consequence: missense variant.
Genome position (GRCh38, 1-based): chr7:128,843,901, G>A. VCF-style: chr7-128843901-G-A. GRCh37 (hg19) VCF-style: chr7-128483955-G-A.
Other names: c.2917G>A, p.Gly973Ser (NM_001127487.2); short protein forms G973S.
Identifiers: ClinVar variation 1481175 (VCV001481175.9), dbSNP rs2128936113, ClinGen allele CA369193560.